The following is an entry in ClinVar:

ClinVar aggregate classification (germline): Likely benign. Review status: criteria provided, multiple submitters, no conflicts (2 of 4 stars). 2 submissions from 2 submitters: Likely benign (2). Last evaluated 2025-02-09.

Conditions:
Cardiovascular phenotype. Identifiers: MedGen CN230736.

Allele frequency attached by ClinVar (database versions not stated): TOPMed 0.00001.

Submissions (2):

Ambry Genetics
Classification: Likely benign for Cardiovascular phenotype. Last evaluated: 2025-02-09. Review status: criteria provided, single submitter. Criteria: Ambry Variant Classification Scheme 2023. Collection method: clinical testing. Allele origin: germline.

GeneDx
Classification: Likely benign. Last evaluated: 2018-01-11. Review status: criteria provided, single submitter. Criteria: GeneDx Variant Classification (06012015). Collection method: clinical testing. Allele origin: germline. Affected: yes.
Comment: This variant is considered likely benign or benign based on one or more of the following criteria: it is a conservative change, it occurs at a poorly conserved position in the protein, it is predicted to be benign by multiple in silico algorithms, and/or has population frequency not consistent with disease.

NM_002834.5(PTPN11):c.372A>G (p.Lys124=)

Gene: PTPN11 (protein tyrosine phosphatase non-receptor type 11; plus strand). Cytogenetic location: 12q24.13.
Variant type: single nucleotide variant.
Coding change: c.372A>G on transcript NM_002834.5 (MANE Select); coding-DNA position 372, A replaced by G.
Protein change: p.Lys124=; no amino-acid change (lysine 124 retained).
Molecular consequence: synonymous variant.
Genome position (GRCh38, 1-based): chr12:112,453,234, A>G. VCF-style: chr12-112453234-A-G. GRCh37 (hg19) VCF-style: chr12-112891038-A-G.
Other names: c.372A>G, p.Lys124= (NM_001330437.2, NM_080601.3); c.369A>G, p.Lys123= (NM_001374625.1).
Identifiers: ClinVar variation 514728 (VCV000514728.2), dbSNP rs1035774225, ClinGen allele CA243708212.